The following is an entry in ClinVar:

NM_004006.3(DMD):c.9063C>G (p.Asn3021Lys)

Gene: DMD (dystrophin; minus strand). Cytogenetic location: Xp21.2.
Variant type: single nucleotide variant.
Coding change: c.9063C>G on transcript NM_004006.3 (MANE Select); coding-DNA position 9063, C replaced by G.
Protein change: p.Asn3021Lys; replaces asparagine 3021 with lysine.
Molecular consequence: missense variant.
Genome position (GRCh38, 1-based): chrX:31,444,502, G>C on the plus strand (C>G on the coding strand, the complement: DMD is on the minus strand). VCF-style: chrX-31444502-G-C. GRCh37 (hg19) VCF-style: chrX-31462619-G-C.
Other names: c.9039C>G, p.Asn3013Lys (NM_000109.4); c.9051C>G, p.Asn3017Lys (NM_004009.3); c.8694C>G, p.Asn2898Lys (NM_004010.3); c.5040C>G, p.Asn1680Lys (NM_004011.4); c.5031C>G, p.Asn1677Lys (NM_004012.4); c.1683C>G, p.Asn561Lys (NM_004013.3, NM_004020.4, NM_004021.3 and 2 more transcripts); c.876C>G, p.Asn292Lys (NM_004014.3); short protein forms N1680K, N1677K, N2898K, N3013K, N561K, N292K, N3017K, N3021K.
Identifiers: ClinVar variation 4842489 (VCV004842489.1).

ClinVar aggregate classification (germline): Uncertain significance (1 of 4 stars; one submission).

Conditions:
Cardiovascular phenotype. Identifiers: MedGen CN230736.

Submission:

Ambry Genetics
Classification: Uncertain significance for Cardiovascular phenotype. Last evaluated: 2025-12-16. Review status: criteria provided, single submitter. Criteria: Ambry Variant Classification Scheme 2023. Collection method: clinical testing. Allele origin: germline.
Comment: The p.N3021K variant (also known as c.9063C>G), located in coding exon 60 of the DMD gene, results from a C to G substitution at nucleotide position 9063. The asparagine at codon 3021 is replaced by lysine, an amino acid with similar properties. This amino acid position is conserved. In addition, this alteration is predicted to be tolerated by in silico analysis. Based on the available evidence, the clinical significance of this variant remains unclear.